The following is an entry in ClinVar:

NM_000540.3(RYR1):c.11670C>T (p.Leu3890=)

Gene: RYR1 (ryanodine receptor 1; plus strand). Cytogenetic location: 19q13.2.
Variant type: single nucleotide variant.
Coding change: c.11670C>T on transcript NM_000540.3 (MANE Select); coding-DNA position 11670, C replaced by T.
Protein change: p.Leu3890=; no amino-acid change (leucine 3890 retained).
Molecular consequence: synonymous variant.
Genome position (GRCh38, 1-based): chr19:38,537,941, C>T. VCF-style: chr19-38537941-C-T. GRCh37 (hg19) VCF-style: chr19-39028581-C-T.
Other names: c.11655C>T, p.Leu3885= (NM_001042723.2).
Identifiers: ClinVar variation 2883160 (VCV002883160.5), dbSNP rs144452106, ClinGen allele CA057421.

ClinVar aggregate classification (germline): Likely benign. Review status: criteria provided, multiple submitters, no conflicts (2 of 4 stars). 3 submissions from 3 submitters: Likely benign (3). Last evaluated 2025-12-13.

Conditions:
Malignant hyperthermia, susceptibility to, 1 (MHS1). Also called: Anesthesia related hyperthermia; Malignant hyperpyrexia; Fulminating hyperpyrexia; Pharmacogenic myopathy; RYR1-Related Malignant Hyperthermia Susceptibility; Malignant hyperthermia suceptibility 1. Identifiers: Orphanet 423, MedGen C2930980, MONDO:0007783, OMIM 145600.
RYR1-related disorder. Also called: RYR1-related condition; RYR1-related disorders. Identifiers: MedGen CN239331.

Allele frequency attached by ClinVar (database versions not stated): ExAC 0.00001; gnomAD 0.00001; gnomAD exomes 0.00001; TOPMed 0.00001; ESP Exome Variant Server 0.00008.
gnomAD v4.1: 12 of 1,573,068 alleles (0.00076%); highest among the groups gnomAD compares: Non-Finnish European, 0.00095%; no homozygotes.

Submissions (3):

Labcorp Genetics (formerly Invitae), Labcorp
Classification: Likely benign for RYR1-related disorder. Last evaluated: 2025-12-13. Review status: criteria provided, single submitter. Criteria: Invitae Variant Classification Sherloc (09022015). Collection method: clinical testing. Allele origin: germline.

All of Us Research Program, National Institutes of Health
Classification: Likely benign for Malignant hyperthermia, susceptibility to, 1. Last evaluated: 2024-01-11. Review status: criteria provided, single submitter. Criteria: ACMG Guidelines, 2015. Collection method: clinical testing. Allele origin: germline. Inheritance: Autosomal dominant inheritance. Observed: 6 variant alleles, 6 heterozygotes.
Comment: This study involves interpretation of variants in research participants for the purpose of population health screening. Participant phenotype was not available at the time of variant classification. Additional details can be found in publication PMID: 35346344, PMCID: PMC8962531

Color Diagnostics, LLC DBA Color Health
Classification: Likely benign for Malignant hyperthermia, susceptibility to, 1. Last evaluated: 2022-11-06. Review status: criteria provided, single submitter. Criteria: ACMG Guidelines, 2015. Collection method: clinical testing. Allele origin: germline.